The following is an entry in ClinVar:

NM_170606.3(KMT2C):c.3686G>T (p.Arg1229Met)

Gene: KMT2C (lysine methyltransferase 2C; minus strand). Cytogenetic location: 7q36.1.
Variant type: single nucleotide variant.
Coding change: c.3686G>T on transcript NM_170606.3 (MANE Select); coding-DNA position 3686, G replaced by T.
Protein change: p.Arg1229Met; replaces arginine 1229 with methionine.
Molecular consequence: missense variant.
Genome position (GRCh38, 1-based): chr7:152,220,549, C>A on the plus strand (G>T on the coding strand, the complement: KMT2C is on the minus strand). VCF-style: chr7-152220549-C-A. GRCh37 (hg19) VCF-style: chr7-151917634-C-A.
Other names: short protein forms R1229M.
Identifiers: ClinVar variation 4857730 (VCV004857730.1).

ClinVar aggregate classification (somatic clinical impact): Tier II - Potential (1 of 4 stars; one submission).

Conditions:
Leukemia. Identifiers: MedGen C0023418, MeSH D007938, MONDO:0005059, HP:0001909.

Submission:

Clinical Genetics Laboratory, Hai Phong University of Medicine and Pharmacy
Classification: Tier II - Potential for Leukemia. Assertion type: diagnostic. Clinical significance: supports diagnosis. Last evaluated: 2026-05-02. Review status: criteria provided, single submitter. Criteria: AMP/ASCO/CAP Guidelines, 2017. Collection method: research. Allele origin: somatic. Affected: yes.
Comment: Classification rationale per AMP/ASCO/CAP 2017 Guidelines (PMID:27993330): Tier II - Variant of Potential Clinical Significance; diagnostic: supports diagnosis. Variant: NM_170606.3:c.3686G>T (p.Arg1229Met) in KMT2C, a missense single-nucleotide substitution (MODERATE predicted impact). Biological context: KMT2C (MLL3) encodes a histone H3K4 methyltransferase that is part of the COMPASS-like complex and is essential for enhancer-mediated transcriptional regulation of hematopoietic differentiation genes. KMT2C is recurrently mutated across myeloid neoplasms - including chronic myelomonocytic leukemia (CMML), myelodysplastic syndrome (MDS), and acute myeloid leukemia (AML) - and loss-of-function or deleterious missense alterations have been reported as drivers of aberrant self-renewal and impaired myeloid differentiation (e.g., Chen et al., Nature 2014; Arndt et al., Leukemia 2018). Deletions of 7q encompassing the KMT2C locus are also a well-established cytogenetic event in CMML/MDS, further supporting a tumor-suppressor role. Multiple KMT2C missense variants were identified in the same tumor, suggesting cumulative perturbation of KMT2C function consistent with its tumor-suppressor role in myeloid disease. Population data: variant is absent from gnomAD population databases, consistent with a rare/somatic event. Computational evidence: in-silico missense predictors (e.g., REVEL, CADD, SIFT, PolyPhen-2) support a deleterious effect on protein function. Evidence level: Level D (preclinical/limited case-level evidence) - the variant adds to the spectrum of KMT2C alterations described in CMML and supports a diagnostic role in this case. No FDA-approved targeted therapy is currently associated with this specific variant; KMT2C-mutant myeloid neoplasms are of growing interest for epigenetic and BET-inhibitor strategies under investigation. Classification of Tier II - diagnostic: supports diagnosis is assigned because KMT2C is a recognized recurrently-mutated gene in CMML and the variant is consistent with the deleterious missense pattern described in the disease, while direct functional or clinical-actionability data for this specific residue remain limited.